The following is an entry in ClinVar:

NM_021628.3(ALOXE3):c.680+1G>A

Gene: ALOXE3 (arachidonate epidermal lipoxygenase 3; minus strand). Cytogenetic location: 17p13.1.
Variant type: single nucleotide variant.
Coding change: c.680+1G>A on transcript NM_021628.3 (MANE Select); the canonical splice donor site of the intron after coding-DNA position 680, G replaced by A.
Molecular consequence: splice donor variant.
Genome position (GRCh38, 1-based): chr17:8,114,483, C>T on the plus strand (G>A on the coding strand, the complement: ALOXE3 is on the minus strand). VCF-style: chr17-8114483-C-T. GRCh37 (hg19) VCF-style: chr17-8017801-C-T.
Other names: c.1076+1G>A (NM_001165960.1); c.677+1G>A (NM_001369446.1).
Identifiers: ClinVar variation 982895 (VCV000982895.5), dbSNP rs764781178, ClinGen allele CA8368339.

ClinVar aggregate classification (germline): Pathogenic. Review status: criteria provided, multiple submitters, no conflicts (2 of 4 stars). 4 submissions from 4 submitters: Pathogenic (3). 1 of the submissions does not count toward it. Last evaluated 2025-09-10.

Conditions:
Autosomal recessive congenital ichthyosis 3 (ARCI3). Also called: ICHTHYOSIS, LAMELLAR, 5. Identifiers: MedGen C3539888, MONDO:0011680, OMIM 606545.
Lamellar ichthyosis. Identifiers: Orphanet 313, MedGen C5848247, MONDO:0017778.
Trichohepatoenteric syndrome 2 (THES2). Identifiers: Orphanet 84064, MedGen C3281289, MONDO:0013818, OMIM 614602.

Allele frequency attached by ClinVar (database versions not stated): gnomAD exomes 0.00001 and below 0.00001; gnomAD 0.00004; ExAC 0.00001; TOPMed 0.00002.
gnomAD v4.1: 18 of 1,613,304 alleles (0.0011%); highest among the groups gnomAD compares: Middle Eastern, 0.033%; no homozygotes.

Submissions (4):

Genomic Medicine Center of Excellence, King Faisal Specialist Hospital and Research Centre
Classification: Pathogenic for Trichohepatoenteric syndrome 2. Last evaluated: 2025-09-10. Review status: criteria provided, single submitter. Criteria: ACMG Guidelines, 2015. Collection method: clinical testing. Allele origin: germline.

Women's Health and Genetics/Laboratory Corporation of America, LabCorp
Classification: Pathogenic for Lamellar ichthyosis. Last evaluated: 2022-07-20. Review status: criteria provided, single submitter. Criteria: LabCorp Variant Classification Summary - May 2015. Collection method: clinical testing. Allele origin: germline.
Comment: Variant summary: ALOXE3 c.680+1G>A is located in a canonical splice-site and is predicted to affect mRNA splicing resulting in a significantly altered protein due to either exon skipping, shortening, or inclusion of intronic material. Several computational tools predict a significant impact on normal splicing: Three predict the variant abolishes the canonical 5' splicing donor site. However, these predictions have yet to be confirmed by functional studies. The variant allele was found at a frequency of 4e-06 in 251492 control chromosomes (gnomAD). c.680+1G>A has been reported in the literature in two homozygous individuals affected with congenital ichthyoses (Hotz_2021 and Mohamad_2021). These data indicate that the variant is very likely to be associated with disease. Two submitters provided clinical-significance assessments for this variant to ClinVar after 2014 and all classified the variant as pathogenic. Based on the evidence outlined above, the variant was classified as pathogenic.

Institute of Human Genetics, University of Leipzig Medical Center
Classification: Pathogenic for Autosomal recessive congenital ichthyosis 3. Last evaluated: 2019-01-01. Review status: criteria provided, single submitter. Criteria: ACMG Guidelines, 2015. Collection method: clinical testing. Allele origin: unknown. Affected: yes.

Institute for Human Genetics, University Medical Center Freiburg
Classification: Pathogenic for Autosomal recessive congenital ichthyosis 3. Last evaluated: 2021-01-07. Review status: no assertion criteria provided. Collection method: clinical testing. Allele origin: unknown. Affected: yes. Not counted in ClinVar's aggregate classification.

Literature cited by the submitters: PubMed 33786896 (cited by Women's Health and Genetics/Laboratory Corporation of America, LabCorp); PubMed 33435499 (cited by Women's Health and Genetics/Laboratory Corporation of America, LabCorp).